The following is an entry in ClinVar:

ClinVar aggregate classification (germline): Uncertain significance (1 of 4 stars; one submission).

Conditions:
X-linked immunodeficiency with magnesium defect, Epstein-Barr virus infection and neoplasia. Identifiers: Orphanet 317476, MedGen C3275445, MONDO:0010455, OMIM 300853.

Submission:

Labcorp Genetics (formerly Invitae), Labcorp
Classification: Uncertain significance for X-linked immunodeficiency with magnesium defect, Epstein-Barr virus infection and neoplasia. Last evaluated: 2026-01-02. Review status: criteria provided, single submitter. Criteria: Invitae Variant Classification Sherloc (09022015). Collection method: clinical testing. Allele origin: germline.
Comment: This sequence change falls in intron 7 of the MAGT1 gene. It does not directly change the encoded amino acid sequence of the MAGT1 protein. This variant is not present in population databases (gnomAD no frequency). This variant has not been reported in the literature in individuals affected with MAGT1-related conditions. Algorithms developed to predict the effect of sequence changes on RNA splicing suggest that this variant may disrupt the consensus splice site. In summary, the available evidence is currently insufficient to determine the role of this variant in disease. Therefore, it has been classified as a Variant of Uncertain Significance.

NM_001367916.1(MAGT1):c.827-14A>G

Gene: MAGT1 (magnesium transporter 1; minus strand). Cytogenetic location: Xq21.1.
Variant type: single nucleotide variant.
Coding change: c.827-14A>G on transcript NM_001367916.1 (MANE Select); 14 bases into the intron before coding-DNA position 827, A replaced by G.
Molecular consequence: intron variant.
Genome position (GRCh38, 1-based): chrX:77,841,334, T>C on the plus strand (A>G on the coding strand, the complement: MAGT1 is on the minus strand). VCF-style: chrX-77841334-T-C. GRCh37 (hg19) VCF-style: chrX-77096831-T-C.
Other names: c.923-14A>G (NM_032121.5).
Identifiers: ClinVar variation 4767367 (VCV004767367.1).
Genomic context (GRCh38, chrX:77,841,334, plus strand): 5'-GGTAGCAGCTTCACATAAAAGCACCATTCCTAAGGTAACTCCACCATCTAAGAAAAATTG[T>C]TTAAGGAGAAATTCGCACAGACAAAAAAGACATACCATTTTACTATTTCCAGTTTCTCAT-3'